The following is an entry in ClinVar:

NM_001283009.2(RTEL1):c.836T>C (p.Ile279Thr)

Genes: RTEL1 (regulator of telomere elongation helicase 1; plus strand), RTEL1-TNFRSF6B (RTEL1-TNFRSF6B readthrough (NMD candidate); plus strand). Cytogenetic location: 20q13.33.
Variant type: single nucleotide variant.
Coding change: c.836T>C on transcript NM_001283009.2 (MANE Select); coding-DNA position 836, T replaced by C.
Protein change: p.Ile279Thr; replaces isoleucine 279 with threonine.
Molecular consequence: missense variant. On other transcripts: non-coding transcript variant (1).
Genome position (GRCh38, 1-based): chr20:63,674,010, T>C. VCF-style: chr20-63674010-T-C. GRCh37 (hg19) VCF-style: chr20-62305363-T-C.
Other names: c.167T>C, p.Ile56Thr (NM_001283010.1); c.836T>C, p.Ile279Thr (NM_016434.4); c.908T>C, p.Ile303Thr (NM_032957.5); short protein forms I279T, I303T, I56T.
Identifiers: ClinVar variation 2008660 (VCV002008660.4), dbSNP rs1466072548, ClinGen allele CA409672813.
Genomic context (GRCh38, chr20:63,674,010, plus strand): 5'-GTGAAGAATCGGCATCCTTTGACCTGACTCCCCATGACCTGGCTTCAGGACTGGACGTCA[T>C]AGACCAGGTGCTGGAGGAGCAGACCAAGGCAGCGCAGCAGGGTGAGCCCCACCCGGAGTT-3'
Protein context (NP_001269938.1, residues 269-289): PHDLASGLDV[Ile279Thr]DQVLEEQTKA

ClinVar aggregate classification (germline): Uncertain significance (1 of 4 stars; one submission).

Conditions:
Dyskeratosis congenita, autosomal recessive 5 (DKCB5). Identifiers: MedGen C3554656, MONDO:0014076, OMIM 615190.
Pulmonary fibrosis and/or bone marrow failure, Telomere-related, 3. Also called: PULMONARY FIBROSIS AND/OR BONE MARROW FAILURE SYNDROME, TELOMERE-RELATED, 3. Identifiers: Orphanet 2032, MedGen C4225346, MONDO:0014613, OMIM 616373.

Allele frequency attached by ClinVar (database versions not stated): TOPMed below 0.00001; gnomAD 0.00001.
gnomAD v4.1: 1 of 1,614,018 alleles (0.000062%); highest among the groups gnomAD compares: Non-Finnish European, 0.000085%; no homozygotes.

Submission:

Labcorp Genetics (formerly Invitae), Labcorp
Classification: Uncertain significance for Dyskeratosis congenita, autosomal recessive 5; Pulmonary fibrosis and/or bone marrow failure, Telomere-related, 3. Last evaluated: 2022-06-20. Review status: criteria provided, single submitter. Criteria: Invitae Variant Classification Sherloc (09022015). Collection method: clinical testing. Allele origin: germline.
Comment: This sequence change replaces isoleucine, which is neutral and non-polar, with threonine, which is neutral and polar, at codon 279 of the RTEL1 protein (p.Ile279Thr). In summary, the available evidence is currently insufficient to determine the role of this variant in disease. Therefore, it has been classified as a Variant of Uncertain Significance. Algorithms developed to predict the effect of missense changes on protein structure and function are either unavailable or do not agree on the potential impact of this missense change (SIFT: "Deleterious"; PolyPhen-2: "Benign"; Align-GVGD: "Class C0"). This variant has not been reported in the literature in individuals affected with RTEL1-related conditions. This variant is not present in population databases (gnomAD no frequency).